The following is an entry in ClinVar:

NM_052947.4(ALPK2):c.5611T>C (p.Phe1871Leu)

Gene: ALPK2 (alpha kinase 2; minus strand). Cytogenetic location: 18q21.31.
Variant type: single nucleotide variant.
Coding change: c.5611T>C on transcript NM_052947.4 (MANE Select); coding-DNA position 5611, T replaced by C.
Protein change: p.Phe1871Leu; replaces phenylalanine 1871 with leucine.
Molecular consequence: missense variant.
Genome position (GRCh38, 1-based): chr18:58,523,953, A>G on the plus strand (T>C on the coding strand, the complement: ALPK2 is on the minus strand). VCF-style: chr18-58523953-A-G. GRCh37 (hg19) VCF-style: chr18-56191185-A-G.
Other names: short protein forms F1871L.
Identifiers: ClinVar variation 1748638 (VCV001748638.2), dbSNP rs766181615, ClinGen allele CA8976434.

ClinVar aggregate classification (germline): Uncertain significance (1 of 4 stars; one submission).

Allele frequency attached by ClinVar (database versions not stated): gnomAD exomes below 0.00001; ExAC 0.00001.
gnomAD v4.1: 2 of 1,614,162 alleles (0.00012%); highest among the groups gnomAD compares: African/African-American, 0.0027%; no homozygotes.

Submission:

Ambry Genetics
Classification: Uncertain significance. Last evaluated: 2021-07-18. Review status: criteria provided, single submitter. Criteria: Ambry Variant Classification Scheme 2023. Collection method: clinical testing. Allele origin: germline.
Comment: The p.F1871L variant (also known as c.5611T>C), located in coding exon 6 of the ALPK2 gene, results from a T to C substitution at nucleotide position 5611. The phenylalanine at codon 1871 is replaced by leucine, an amino acid with highly similar properties. This amino acid position is conserved. In addition, this alteration is predicted to be tolerated by in silico analysis. Since supporting evidence is limited at this time, the clinical significance of this alteration remains unclear.